The following is an entry in ClinVar:

NM_003052.5(SLC34A1):c.189_190del (p.Cys64fs)

Gene: SLC34A1 (solute carrier family 34 member 1; plus strand). Cytogenetic location: 5q35.3.
Variant type: Deletion.
Coding change: c.189_190del on transcript NM_003052.5 (MANE Select); coding-DNA positions 189 to 190, 2 bases deleted (CT; older notation c.189_190delCT).
Protein change: p.Cys64fs; shifts the reading frame from cysteine 64.
Molecular consequence: frameshift variant.
Genome position (GRCh38, 1-based): chr5:177,386,066-177,386,067, CT deleted. VCF-style (leftmost placement, unchanged base first): chr5-177386065-CCT-C. GRCh37 (hg19) VCF-style: chr5-176813066-CCT-C.
Other names: c.189_190del, p.Cys64fs (NM_001167579.2); short protein forms C64fs.
Identifiers: ClinVar variation 3592101 (VCV003592101.2).

ClinVar aggregate classification (germline): Pathogenic/Likely pathogenic. Review status: criteria provided, multiple submitters, no conflicts (2 of 4 stars). 2 submissions from 2 submitters: Pathogenic (1); Likely pathogenic (1). Last evaluated 2025-11-19.

Conditions:
Hypophosphatemic nephrolithiasis/osteoporosis 1. Identifiers: Orphanet 244305, MedGen C2676786, MONDO:0012850, OMIM 612286.
Fanconi renotubular syndrome 2 (FRTS2). Identifiers: MedGen C3150652, MONDO:0013247, OMIM 613388.
Hypercalcemia, infantile, 2 (HCINF2). Identifiers: Orphanet 300547, MedGen C4310473, MONDO:0014851, OMIM 616963.

Submissions (2):

Labcorp Genetics (formerly Invitae), Labcorp
Classification: Pathogenic. Last evaluated: 2025-11-19. Review status: criteria provided, single submitter. Criteria: Invitae Variant Classification Sherloc (09022015). Collection method: clinical testing. Allele origin: germline.
Comment: This sequence change creates a premature translational stop signal (p.Cys64Trpfs*8) in the SLC34A1 gene. It is expected to result in an absent or disrupted protein product. Loss-of-function variants in SLC34A1 are known to be pathogenic (PMID: 26047794). This variant is not present in population databases (gnomAD no frequency). This variant has not been reported in the literature in individuals affected with SLC34A1-related conditions. ClinVar contains an entry for this variant (Variation ID: 3592101). For these reasons, this variant has been classified as Pathogenic.

Fulgent Genetics
Classification: Likely pathogenic for Hypophosphatemic nephrolithiasis/osteoporosis 1; Fanconi renotubular syndrome 2; Hypercalcemia, infantile, 2. Last evaluated: 2024-04-20. Review status: criteria provided, single submitter. Criteria: ACMG Guidelines, 2015. Collection method: clinical testing. Allele origin: germline.

Literature cited by the submitters: PubMed 26047794 (cited by Labcorp Genetics (formerly Invitae), Labcorp).